The following is an entry in ClinVar:

NM_002979.5(SCP2):c.199+4T>C

Gene: SCP2 (sterol carrier protein 2; plus strand). Cytogenetic location: 1p32.3.
Variant type: single nucleotide variant.
Coding change: c.199+4T>C on transcript NM_002979.5 (MANE Select); 4 bases into the intron after coding-DNA position 199, T replaced by C.
Molecular consequence: intron variant.
Genome position (GRCh38, 1-based): chr1:52,948,084, T>C. VCF-style: chr1-52948084-T-C. GRCh37 (hg19) VCF-style: chr1-53413756-T-C.
Other names: c.199+4T>C (NM_001193600.2, NM_001330587.2, NM_001007098.3); c.128-2671T>C (NM_001193599.2); c.-45+4T>C (NM_001193617.2).
Identifiers: ClinVar variation 1405506 (VCV001405506.6), dbSNP rs1385562917, ClinGen allele CA522905388.
Genomic context (GRCh38, chr1:52,948,084, plus strand): 5'-CTGATGCACAGATCCCTTATTCAGCAGTGGACCAGGCATGTGTTGGCTATGTTTTTGGTA[T>C]GTATTAAACTGTGTATTCTAAAATTTTTTTACCTAAATCTAGCAGCAACTATACAAACAA-3'

ClinVar aggregate classification (germline): Uncertain significance (1 of 4 stars; one submission).

Allele frequency attached by ClinVar (database versions not stated): gnomAD 0.00001; gnomAD exomes 0.00001.
gnomAD v4.1: 14 of 1,588,650 alleles (0.00088%); highest among the groups gnomAD compares: Non-Finnish European, 0.0012%; no homozygotes.

Submission:

Labcorp Genetics (formerly Invitae), Labcorp
Classification: Uncertain significance. Last evaluated: 2021-11-12. Review status: criteria provided, single submitter. Criteria: Invitae Variant Classification Sherloc (09022015). Collection method: clinical testing. Allele origin: germline.
Comment: In summary, the available evidence is currently insufficient to determine the role of this variant in disease. Therefore, it has been classified as a Variant of Uncertain Significance. Variants that disrupt the consensus splice site are a relatively common cause of aberrant splicing (PMID: 17576681, 9536098). Algorithms developed to predict the effect of sequence changes on RNA splicing suggest that this variant is not likely to affect RNA splicing. This variant has not been reported in the literature in individuals affected with SCP2-related conditions. This variant is present in population databases (no rsID available, gnomAD 0.007%). This sequence change falls in intron 3 of the SCP2 gene. It does not directly change the encoded amino acid sequence of the SCP2 protein. It affects a nucleotide within the consensus splice site.

Literature cited by the submitters: PubMed 17576681; PubMed 9536098.